The following is an entry in ClinVar:

NM_018127.7(ELAC2):c.85_86delinsTT (p.Arg29Phe)

Gene: ELAC2 (elaC ribonuclease Z 2; minus strand). Cytogenetic location: 17p12.
Variant type: Indel.
Coding change: c.85_86delinsTT on transcript NM_018127.7 (MANE Select); coding-DNA positions 85 to 86, CG replaced by TT.
Protein change: p.Arg29Phe; replaces arginine 29 with phenylalanine.
Molecular consequence: missense variant.
Genome position (GRCh38, 1-based): chr17:13,017,862-13,017,863, CG replaced by AA on the plus strand (CG replaced by TT on the coding strand, the reverse complement: ELAC2 is on the minus strand). VCF-style: chr17-13017862-CG-AA. GRCh37 (hg19) VCF-style: chr17-12921179-CG-AA.
Other names: c.85_86delinsTT (NM_018127.6); c.85_86delinsTT, p.Arg29Phe (NM_001165962.2, NM_173717.2); short protein forms R29F.
Identifiers: ClinVar variation 1466916 (VCV001466916.6), dbSNP rs2143697792, ClinGen allele CA2573153058.

ClinVar aggregate classification (germline): Uncertain significance. Review status: criteria provided, multiple submitters, no conflicts (2 of 4 stars). 3 submissions from 3 submitters: Uncertain significance (3). Last evaluated 2025-12-16.

Conditions:
Combined oxidative phosphorylation defect type 17. Also called: Combined oxidative phosphorylation deficiency 17. Identifiers: Orphanet 369913, MedGen C3809526, MONDO:0014190, OMIM 615440.

Submissions (3):

Labcorp Genetics (formerly Invitae), Labcorp
Classification: Uncertain significance for Combined oxidative phosphorylation defect type 17. Last evaluated: 2025-12-16. Review status: criteria provided, single submitter. Criteria: Invitae Variant Classification Sherloc (09022015). Collection method: clinical testing. Allele origin: germline.
Comment: This sequence change replaces arginine, which is basic and polar, with phenylalanine, which is neutral and non-polar, at codon 29 of the ELAC2 protein (p.Arg29Phe). This variant is present in population databases (no rsID available, gnomAD 0.01%), including at least one homozygous and/or hemizygous individual. This variant has not been reported in the literature in individuals affected with ELAC2-related conditions. ClinVar contains an entry for this variant (Variation ID: 1466916). An algorithm developed to predict the effect of missense changes on protein structure and function (PolyPhen-2) suggests that this variant is likely to be disruptive. In summary, the available evidence is currently insufficient to determine the role of this variant in disease. Therefore, it has been classified as a Variant of Uncertain Significance.

Revvity Omics, Revvity
Classification: Uncertain significance for Combined oxidative phosphorylation defect type 17. Last evaluated: 2025-04-11. Review status: criteria provided, single submitter. Criteria: ACMG Guidelines, 2015. Collection method: clinical testing. Allele origin: germline.

GeneDx
Classification: Uncertain significance. Last evaluated: 2024-04-18. Review status: criteria provided, single submitter. Criteria: GeneDx Variant Classification Process June 2021. Collection method: clinical testing. Allele origin: germline. Affected: yes.
Comment: In silico analysis indicates that this variant does not alter protein structure/function; Has not been previously published as pathogenic or benign to our knowledge